The following is an entry in ClinVar:

ClinVar aggregate classification (germline): Uncertain significance (1 of 4 stars; one submission).

Allele frequency attached by ClinVar (database versions not stated): gnomAD exomes below 0.00001.
gnomAD v4.1: 1 of 1,605,862 alleles (0.000062%); highest among the groups gnomAD compares: South Asian, 0.0011%; no homozygotes.

Submission:

Labcorp Genetics (formerly Invitae), Labcorp
Classification: Uncertain significance. Last evaluated: 2023-10-17. Review status: criteria provided, single submitter. Criteria: Invitae Variant Classification Sherloc (09022015). Collection method: clinical testing. Allele origin: germline.
Comment: This sequence change replaces glycine, which is neutral and non-polar, with glutamic acid, which is acidic and polar, at codon 971 of the COL18A1 protein (p.Gly971Glu). This variant is not present in population databases (gnomAD no frequency). This variant has not been reported in the literature in individuals affected with COL18A1-related conditions. ClinVar contains an entry for this variant (Variation ID: 1413656). Experimental studies and prediction algorithms are not available or were not evaluated, and the functional significance of this variant is currently unknown. In summary, the available evidence is currently insufficient to determine the role of this variant in disease. Therefore, it has been classified as a Variant of Uncertain Significance.

NM_001379500.1(COL18A1):c.2921G>A (p.Gly974Glu)

Genes: COL18A1 (collagen type XVIII alpha 1 chain; plus strand), SLC19A1 (solute carrier family 19 member 1; minus strand). Cytogenetic location: 21q22.3.
Variant type: single nucleotide variant.
Coding change: c.2921G>A on transcript NM_001379500.1 (MANE Select); coding-DNA position 2921, G replaced by A.
Protein change: p.Gly974Glu; replaces glycine 974 with glutamic acid.
Molecular consequence: missense variant.
Genome position (GRCh38, 1-based): chr21:45,505,186, G>A. VCF-style: chr21-45505186-G-A. GRCh37 (hg19) VCF-style: chr21-46925100-G-A.
Other names: c.3452G>A, p.Gly1151Glu (NM_030582.4); c.4157G>A, p.Gly1386Glu (NM_130444.3); short protein forms G1386E, G1151E, G974E.
Identifiers: ClinVar variation 1413656 (VCV001413656.6), dbSNP rs2146080921, ClinGen allele CA410499473.
Genomic context (GRCh38, chr21:45,505,186, plus strand): 5'-GTCCGTAGGGTCCCAAGGGAGAGAGCATCCGGGGCCAGCCCGGCCCACCTGGACCTCAGG[G>A]ACCCCCCGGCATCGGCTACGAGGGGCGCCAGGGCCCTCCCGGCCCCCCAGGCCCCCCAGG-3'
Protein context (NP_001366429.1, residues 964-984): RGQPGPPGPQ[Gly974Glu]PPGIGYEGRQ